The following is an entry in ClinVar:

NM_000875.5(IGF1R):c.3211C>T (p.Gln1071Ter)

Gene: IGF1R (insulin like growth factor 1 receptor; plus strand). Cytogenetic location: 15q26.3.
Variant type: single nucleotide variant.
Coding change: c.3211C>T on transcript NM_000875.5 (MANE Select); coding-DNA position 3211, C replaced by T.
Protein change: p.Gln1071Ter; replaces glutamine 1071 with a stop codon.
Molecular consequence: nonsense.
Genome position (GRCh38, 1-based): chr15:98,935,340, C>T. VCF-style: chr15-98935340-C-T. GRCh37 (hg19) VCF-style: chr15-99478569-C-T.
Other names: c.3208C>T, p.Gln1070Ter (NM_001291858.2); short protein forms Q1071*, Q1070*.
Identifiers: ClinVar variation 4274046 (VCV004274046.1).

ClinVar aggregate classification (germline): Pathogenic (1 of 4 stars; one submission).

Conditions:
Inborn genetic diseases. Identifiers: MedGen C0950123, MeSH D030342.

Submission:

Ambry Genetics
Classification: Pathogenic for Inborn genetic diseases. Last evaluated: 2025-06-20. Review status: criteria provided, single submitter. Criteria: Ambry Variant Classification Scheme 2023. Collection method: clinical testing. Allele origin: germline.
Comment: The c.3211C>T (p.Q1071*) alteration, located in exon 17 (coding exon 17) of the IGF1R gene, consists of a C to T substitution at nucleotide position 3211. This changes the amino acid from a glutamine (Q) to a stop codon at amino acid position 1071. This alteration is expected to result in loss of function by premature protein truncation or nonsense-mediated mRNA decay. This variant was not reported in population-based cohorts in the Genome Aggregation Database (gnomAD). Based on the available evidence, this alteration is classified as pathogenic.